The following is an entry in ClinVar:

NM_001079802.2(FKTN):c.72G>T (p.Gln24His)

Gene: FKTN (fukutin; plus strand). Cytogenetic location: 9q31.2.
Variant type: single nucleotide variant.
Coding change: c.72G>T on transcript NM_001079802.2 (MANE Select); coding-DNA position 72, G replaced by T.
Protein change: p.Gln24His; replaces glutamine 24 with histidine.
Molecular consequence: missense variant. On other transcripts: 5 prime UTR variant (5), non-coding transcript variant (2).
Genome position (GRCh38, 1-based): chr9:105,575,104, G>T. VCF-style: chr9-105575104-G-T. GRCh37 (hg19) VCF-style: chr9-108337385-G-T.
Other names: c.72G>T, p.Gln24His (NM_001198963.2, NM_001351496.2, NM_001351498.2 and 1 more transcripts); c.-96G>T (NM_001351497.2); c.-443G>T (NM_001351499.2, NM_001351500.2, NM_001351501.2 and 1 more transcripts); short protein forms Q24H.
Identifiers: ClinVar variation 5041678 (VCV005041678.1).

ClinVar aggregate classification (germline): Uncertain significance (1 of 4 stars; one submission).

gnomAD v4.1: 3 of 1,608,022 alleles (0.00019%); highest among the groups gnomAD compares: Non-Finnish European, 0.00026%; no homozygotes.

Submission:

CeGaT Center for Human Genetics Tuebingen
Classification: Uncertain significance. Last evaluated: 2026-09-01. Review status: criteria provided, single submitter. Criteria: CeGaT Center For Human Genetics Tuebingen Variant Classification Criteria Version 2. Collection method: clinical testing. Allele origin: germline. Affected: yes. Observed: 1 variant allele.
Comment: FKTN: PM2, PM3:Supporting